The following is an entry in ClinVar:

ClinVar aggregate classification (germline): Uncertain significance (1 of 4 stars; one submission).

Conditions:
Neurodevelopmental disorder with or without hyperkinetic movements and seizures, autosomal dominant. Also called: Intellectual disability, autosomal dominant 8. Identifiers: MedGen C3280282, MONDO:0013655, OMIM 614254.

Submission:

3billion
Classification: Uncertain significance for Neurodevelopmental disorder with or without hyperkinetic movements and seizures, autosomal dominant. Last evaluated: 2025-02-24. Review status: criteria provided, single submitter. Criteria: ACMG Guidelines, 2015. Collection method: clinical testing. Allele origin: germline. Affected: yes.
Comment: The variant is not observed in the gnomAD v4.1.0 dataset. Predicted Consequence/Location: The variant is located in a mutational hot spot and/or well-established functional domain in which established pathogenic variants have been reported (PMID: 33252190). Missense variant. Missense changes are a common disease-causing mechanism. Damaging effect on gene or gene product predicted by in silico programs is uncertain [REVEL: 0.28 (damaging >=0.6, benign <0.4), 3Cnet: 0.20 (damaging >=0.6, benign <0.15)]. Therefore, this variant is classified as VUS according to the recommendation of ACMG/AMP guideline.

NM_007327.4(GRIN1):c.1789G>A (p.Glu597Lys)

Gene: GRIN1 (glutamate ionotropic receptor NMDA type subunit 1; plus strand). Cytogenetic location: 9q34.3.
Variant type: single nucleotide variant.
Coding change: c.1789G>A on transcript NM_007327.4 (MANE Select); coding-DNA position 1789, G replaced by A.
Protein change: p.Glu597Lys; replaces glutamic acid 597 with lysine.
Molecular consequence: missense variant.
Genome position (GRCh38, 1-based): chr9:137,162,441, G>A. VCF-style: chr9-137162441-G-A. GRCh37 (hg19) VCF-style: chr9-140056893-G-A.
Other names: c.1789G>A, p.Glu597Lys (NM_000832.7, NM_021569.4); c.1852G>A, p.Glu618Lys (NM_001185090.2, NM_001185091.2, NM_001437330.1 and 1 more transcripts); short protein forms E597K, E618K.
Identifiers: ClinVar variation 4293196 (VCV004293196.1).